The following is an entry in ClinVar:

NM_001875.5(CPS1):c.2381G>T (p.Ser794Ile)

Gene: CPS1 (carbamoyl-phosphate synthase 1; plus strand). Cytogenetic location: 2q34.
Variant type: single nucleotide variant.
Coding change: c.2381G>T on transcript NM_001875.5 (MANE Select); coding-DNA position 2381, G replaced by T.
Protein change: p.Ser794Ile; replaces serine 794 with isoleucine.
Molecular consequence: missense variant. On other transcripts: non-coding transcript variant (2).
Genome position (GRCh38, 1-based): chr2:210,608,549, G>T. VCF-style: chr2-210608549-G-T. GRCh37 (hg19) VCF-style: chr2-211473273-G-T.
Other names: c.2381G>T, p.Ser794Ile (NM_001122633.3, NM_001369257.1); c.2414G>T, p.Ser805Ile (NM_001369256.1); short protein forms S805I, S794I.
Identifiers: ClinVar variation 1495114 (VCV001495114.8), dbSNP rs1247456569, ClinGen allele CA350439824.

ClinVar aggregate classification (germline): Uncertain significance (1 of 4 stars; one submission).

Conditions:
Congenital hyperammonemia, type I. Also called: Carbamoyl-phosphate synthase I deficiency; CPS I DEFICIENCY; Carbamoyl phosphate synthetase 1 deficiency; Hyperammonemia due to carbamoyl phosphate synthetase 1 deficiency; CPS 1 deficiency; Carbamyl phosphate synthetase (CPS) deficiency. Identifiers: Orphanet 147, MedGen C4082171, MONDO:0009376, OMIM 237300.

Submission:

Labcorp Genetics (formerly Invitae), Labcorp
Classification: Uncertain significance for Congenital hyperammonemia, type I. Last evaluated: 2021-02-13. Review status: criteria provided, single submitter. Criteria: Invitae Variant Classification Sherloc (09022015). Collection method: clinical testing. Allele origin: germline.
Comment: This variant has not been reported in the literature in individuals with CPS1-related conditions. In summary, the available evidence is currently insufficient to determine the role of this variant in disease. Therefore, it has been classified as a Variant of Uncertain Significance. Algorithms developed to predict the effect of missense changes on protein structure and function are either unavailable or do not agree on the potential impact of this missense change (SIFT: "Deleterious"; PolyPhen-2: "Possibly Damaging"; Align-GVGD: "Class C0"). This variant is not present in population databases (ExAC no frequency). This sequence change replaces serine with isoleucine at codon 794 of the CPS1 protein (p.Ser794Ile). The serine residue is highly conserved and there is a large physicochemical difference between serine and isoleucine.